The following is an entry in ClinVar:

NM_001001331.4(ATP2B2):c.3018G>A (p.Gln1006=)

Gene: ATP2B2 (ATPase plasma membrane Ca2+ transporting 2; minus strand). Cytogenetic location: 3p25.3.
Variant type: single nucleotide variant.
Coding change: c.3018G>A on transcript NM_001001331.4 (MANE Select); coding-DNA position 3018, G replaced by A.
Protein change: p.Gln1006=; no amino-acid change (glutamine 1006 retained).
Molecular consequence: synonymous variant.
Genome position (GRCh38, 1-based): chr3:10,340,604, C>T on the plus strand (G>A on the coding strand, the complement: ATP2B2 is on the minus strand). VCF-style: chr3-10340604-C-T. GRCh37 (hg19) VCF-style: chr3-10382288-C-T.
Other names: p.Gln961=; c.2883G>A, p.Gln961= (NM_001330611.3, NM_001353564.1, NM_001363862.1 and 1 more transcripts).
Identifiers: ClinVar variation 780375 (VCV000780375.11), dbSNP rs61736453, ClinGen allele CA2253215.

ClinVar aggregate classification (germline): Benign. Review status: criteria provided, multiple submitters, no conflicts (2 of 4 stars). 3 submissions from 3 submitters: Benign (3). Last evaluated 2026-01-14.

Allele frequency attached by ClinVar (database versions not stated): gnomAD exomes 0.00104 and 0.00298; ExAC 0.00368; gnomAD 0.01075 and 0.01164; TOPMed 0.01227; 1000 Genomes Project 0.01298; 1000 Genomes Project 30x 0.01327; ESP Exome Variant Server 0.01330.
gnomAD v4.1: 3,205 of 1,614,216 alleles (0.2%); highest among the groups gnomAD compares: African/African-American, 3.9%; 62 homozygotes.

Submissions (3):

Labcorp Genetics (formerly Invitae), Labcorp
Classification: Benign. Last evaluated: 2026-01-14. Review status: criteria provided, single submitter. Criteria: Invitae Variant Classification Sherloc (09022015). Collection method: clinical testing. Allele origin: germline.

Mayo Clinic Laboratories, Mayo Clinic
Classification: Benign. Last evaluated: 2025-03-20. Review status: criteria provided, single submitter. Criteria: ACMG Guidelines, 2015. Collection method: clinical testing. Allele origin: germline. Observed: 1 variant allele.
Comment: BA1, BP4, BP7

Breakthrough Genomics
Classification: Benign. Review status: criteria provided, single submitter. Criteria: ACMG Guidelines, 2015. Collection method: not provided. Allele origin: germline. Inheritance: Autosomal recessive inheritance. Affected: yes.